The following is an entry in ClinVar:

NM_015160.3(PMPCA):c.1339G>A (p.Glu447Lys)

Gene: PMPCA (peptidase, mitochondrial processing subunit alpha; plus strand). Cytogenetic location: 9q34.3.
Variant type: single nucleotide variant.
Coding change: c.1339G>A on transcript NM_015160.3 (MANE Select); coding-DNA position 1339, G replaced by A.
Protein change: p.Glu447Lys; replaces glutamic acid 447 with lysine.
Molecular consequence: missense variant.
Genome position (GRCh38, 1-based): chr9:136,421,907, G>A. VCF-style: chr9-136421907-G-A. GRCh37 (hg19) VCF-style: chr9-139316359-G-A.
Other names: c.946G>A, p.Glu316Lys (NM_001282944.2); c.1039G>A, p.Glu347Lys (NM_001282946.2); c.1339G>A (NM_015160.1); short protein forms E316K, E347K, E447K.
Identifiers: ClinVar variation 1397976 (VCV001397976.10), dbSNP rs778968490, ClinGen allele CA5336455.
Genomic context (GRCh38, chr9:136,421,907, plus strand): 5'-GCCAAGACGCAGCTGACATCAATGCTCATGATGAACCTGGAATCCAGGCCTGTGATCTTC[G>A]AGGATGTGGGGAGGCAGGTGCTGGCCACTCGCTCCAGAAAGCTGCCGCACGAGCTGTGCA-3'
Protein context (NP_055975.1, residues 437-457): MNLESRPVIF[Glu447Lys]DVGRQVLATR

ClinVar aggregate classification (germline): Uncertain significance. Review status: criteria provided, multiple submitters, no conflicts (2 of 4 stars). 2 submissions from 2 submitters: Uncertain significance (2). Last evaluated 2022-10-04.

Conditions:
Inborn genetic diseases. Identifiers: MedGen C0950123, MeSH D030342.

Allele frequency attached by ClinVar (database versions not stated): ExAC 0.00001; gnomAD exomes 0.00001; gnomAD 0.00005; TOPMed 0.00014.
gnomAD v4.1: 15 of 1,612,052 alleles (0.00093%); highest among the groups gnomAD compares: Admixed American, 0.02%; no homozygotes.

Submissions (2):

Labcorp Genetics (formerly Invitae), Labcorp
Classification: Uncertain significance. Last evaluated: 2022-10-04. Review status: criteria provided, single submitter. Criteria: Invitae Variant Classification Sherloc (09022015). Collection method: clinical testing. Allele origin: germline.
Comment: This sequence change replaces glutamic acid, which is acidic and polar, with lysine, which is basic and polar, at codon 447 of the PMPCA protein (p.Glu447Lys). The frequency data for this variant in the population databases is considered unreliable, as metrics indicate poor data quality at this position in the gnomAD database. This variant has not been reported in the literature in individuals affected with PMPCA-related conditions. ClinVar contains an entry for this variant (Variation ID: 1397976). Advanced modeling of protein sequence and biophysical properties (such as structural, functional, and spatial information, amino acid conservation, physicochemical variation, residue mobility, and thermodynamic stability) performed at Invitae indicates that this missense variant is expected to disrupt PMPCA protein function. In summary, the available evidence is currently insufficient to determine the role of this variant in disease. Therefore, it has been classified as a Variant of Uncertain Significance.

Ambry Genetics
Classification: Uncertain significance for Inborn genetic diseases. Last evaluated: 2021-10-06. Review status: criteria provided, single submitter. Criteria: Ambry Variant Classification Scheme 2023. Collection method: clinical testing. Allele origin: germline.